The following is an entry in ClinVar:

ClinVar aggregate classification (germline): Conflicting classifications of pathogenicity. Review status: criteria provided, conflicting classifications (1 of 4 stars). 3 submissions from 3 submitters: Uncertain significance (1); Likely benign (1). 1 of the submissions does not count toward it. Last evaluated 2022-11-06.

Conditions:
MTTP-related disorder. Also called: MTTP-related condition.

Allele frequency attached by ClinVar (database versions not stated): ExAC 0.00002; gnomAD 0.00003; TOPMed 0.00003; gnomAD exomes 0.00004; ESP Exome Variant Server 0.00008.
gnomAD v4.1: 65 of 1,612,958 alleles (0.004%); highest among the groups gnomAD compares: Non-Finnish European, 0.0049%; no homozygotes.

Submissions (3):

Blueprint Genetics
Classification: Likely benign. Last evaluated: 2022-11-06. Review status: criteria provided, single submitter. Criteria: ACMG Guidelines, 2015. Collection method: clinical testing. Allele origin: germline.

Labcorp Genetics (formerly Invitae), Labcorp
Classification: Uncertain significance. Last evaluated: 2022-08-23. Review status: criteria provided, single submitter. Criteria: Invitae Variant Classification Sherloc (09022015). Collection method: clinical testing. Allele origin: germline.
Comment: This sequence change falls in intron 13 of the MTTP gene. It does not directly change the encoded amino acid sequence of the MTTP protein. It affects a nucleotide within the consensus splice site. This variant is present in population databases (rs370581999, gnomAD 0.004%). This variant has not been reported in the literature in individuals affected with MTTP-related conditions. Variants that disrupt the consensus splice site are a relatively common cause of aberrant splicing (PMID: 17576681, 9536098). Algorithms developed to predict the effect of sequence changes on RNA splicing suggest that this variant is not likely to affect RNA splicing. In summary, the available evidence is currently insufficient to determine the role of this variant in disease. Therefore, it has been classified as a Variant of Uncertain Significance.

PreventionGenetics, part of Exact Sciences
Classification: Likely benign for MTTP-related condition. Last evaluated: 2019-09-09. Review status: no assertion criteria provided. Collection method: clinical testing. Allele origin: germline. Not counted in ClinVar's aggregate classification.
Comment: This variant is classified as likely benign based on ACMG/AMP sequence variant interpretation guidelines (Richards et al. 2015 PMID: 25741868, with internal and published modifications).

Literature cited by the submitters: PubMed 17576681 (cited by Labcorp Genetics (formerly Invitae), Labcorp); PubMed 9536098 (cited by Labcorp Genetics (formerly Invitae), Labcorp).

NM_001386140.1(MTTP):c.1770-3C>T

Gene: MTTP (microsomal triglyceride transfer protein; plus strand). Cytogenetic location: 4q23.
Variant type: single nucleotide variant.
Coding change: c.1770-3C>T on transcript NM_001386140.1 (MANE Select); 3 bases into the intron before coding-DNA position 1770, C replaced by T.
Molecular consequence: intron variant.
Genome position (GRCh38, 1-based): chr4:99,611,140, C>T. VCF-style: chr4-99611140-C-T. GRCh37 (hg19) VCF-style: chr4-100532297-C-T.
Other names: c.1770-3C>T (NM_000253.4, NM_000253.3); c.1521-3C>T (NM_001300785.2).
Identifiers: ClinVar variation 2144651 (VCV002144651.4), dbSNP rs370581999, ClinGen allele CA3022199.